The following is an entry in ClinVar:

NM_000051.4(ATM):c.1316T>A (p.Leu439Gln)

Gene: ATM (ATM serine/threonine kinase; plus strand). Cytogenetic location: 11q22.3.
Variant type: single nucleotide variant.
Coding change: c.1316T>A on transcript NM_000051.4 (MANE Select); coding-DNA position 1316, T replaced by A.
Protein change: p.Leu439Gln; replaces leucine 439 with glutamine.
Molecular consequence: missense variant.
Genome position (GRCh38, 1-based): chr11:108,250,781, T>A. VCF-style: chr11-108250781-T-A. GRCh37 (hg19) VCF-style: chr11-108121508-T-A.
Other names: c.1316T>A, p.Leu439Gln (NM_001351834.2); short protein forms L439Q.
Identifiers: ClinVar variation 862189 (VCV000862189.9), dbSNP rs2080095349, ClinGen allele CA382533655.
Genomic context (GRCh38, chr11:108,250,781, plus strand): 5'-TAATATCAAAGTATCCTGCAAGTTTACCTAACTGTGAGCTGTCTCCATTACTGATGATAC[T>A]ATCTCAGCTTCTACCCCAACAGCGACATGGGGAACGTACACCATATGTGTTACGATGCCT-3'
Protein context (NP_000042.3, residues 429-449): NCELSPLLMI[Leu439Gln]SQLLPQQRHG

ClinVar aggregate classification (germline): Uncertain significance (1 of 4 stars; one submission).

Conditions:
Ataxia-telangiectasia syndrome (AT). Also called: LOUIS-BAR SYNDROME; Ataxia telangiectasia (A-T); Ataxia-telangiectasia, complementation group D; Cerebello-oculocutaneous telangiectasia; Immunodeficiency with ataxia telangiectasia; Ataxia-telangiectasia. Identifiers: Orphanet 100, MedGen C0004135, MONDO:0008840, OMIM 208900.

Submission:

Labcorp Genetics (formerly Invitae), Labcorp
Classification: Uncertain significance for Ataxia-telangiectasia syndrome. Last evaluated: 2019-11-22. Review status: criteria provided, single submitter. Criteria: Invitae Variant Classification Sherloc (09022015). Collection method: clinical testing. Allele origin: germline.
Comment: This variant has not been reported in the literature in individuals with ATM-related conditions. In summary, the available evidence is currently insufficient to determine the role of this variant in disease. Therefore, it has been classified as a Variant of Uncertain Significance. Algorithms developed to predict the effect of missense changes on protein structure and function (SIFT, PolyPhen-2, Align-GVGD) all suggest that this variant is likely to be disruptive, but these predictions have not been confirmed by published functional studies and their clinical significance is uncertain. This variant is not present in population databases (ExAC no frequency). This sequence change replaces leucine with glutamine at codon 439 of the ATM protein (p.Leu439Gln). The leucine residue is highly conserved and there is a moderate physicochemical difference between leucine and glutamine.